The following is an entry in ClinVar:

ClinVar aggregate classification (germline): Benign/Likely benign. Review status: criteria provided, multiple submitters, no conflicts (2 of 4 stars). 14 submissions from 11 submitters: Benign (10); Likely benign (3). 1 of the submissions does not count toward it. Last evaluated 2026-02-03.

Conditions:
Dilated cardiomyopathy 1G (CMD1G). Identifiers: Orphanet 154, MedGen C1858763, MONDO:0011400, OMIM 604145.
Autosomal recessive limb-girdle muscular dystrophy type 2J (LGMDR10). Also called: MUSCULAR DYSTROPHY, LIMB-GIRDLE, AUTOSOMAL RECESSIVE 10; Limb-girdle muscular dystrophy, type 2J. Identifiers: Orphanet 140922, MedGen C1837342, MONDO:0012127, OMIM 608807.
TTN-related disorder. Also called: TTN-related disorders; TTN-related condition; TTN-related disease.
Cardiomyopathy (CMYO). Also called: Cardiomyopathies. Identifiers: Orphanet 167848, MedGen C0878544, MONDO:0004994, HP:0001638. Inheritance: Various modes of inheritance.
Early-onset myopathy with fatal cardiomyopathy (CMYO5). Also called: CONGENITAL MYOPATHY 5 WITH CARDIOMYOPATHY; Salih Myopathy. Identifiers: Orphanet 289377, MedGen C2673677, MONDO:0012714, OMIM 611705. Disease mechanism: loss of function.
Tibial muscular dystrophy (TMD). Also called: Udd Distal Myopathy – Tibial Muscular Dystrophy; Tibial muscular dystrophy, tardive; UDD MYOPATHY. Identifiers: Orphanet 609, MedGen C1838244, MONDO:0010870, OMIM 600334.
Myopathy, myofibrillar, 9, with early respiratory failure (MFM9). Also called: Myopathy, distal, with early respiratory failure, autosomal dominant; Hereditary myopathy with early respiratory failure; MYOPATHY, PROXIMAL, WITH EARLY RESPIRATORY MUSCLE INVOLVEMENT; EDSTROM MYOPATHY. Identifiers: Orphanet 178464, Orphanet 34521, MedGen C1863599, MONDO:0011362, OMIM 603689.

Allele frequency attached by ClinVar (database versions not stated): gnomAD exomes 0.00046 and 0.00019; gnomAD 0.00183 and 0.00200; ExAC 0.00052; 1000 Genomes Project 0.00100; 1000 Genomes Project 30x 0.00109; ESP Exome Variant Server 0.00191; TOPMed 0.00239.
gnomAD v4.1: 565 of 1,607,940 alleles (0.035%); highest among the groups gnomAD compares: African/African-American, 0.61%; no homozygotes.

Submissions (14):

Labcorp Genetics (formerly Invitae), Labcorp
Classification: Benign for Dilated cardiomyopathy 1G; Autosomal recessive limb-girdle muscular dystrophy type 2J. Last evaluated: 2026-02-03. Review status: criteria provided, single submitter. Criteria: Invitae Variant Classification Sherloc (09022015). Collection method: clinical testing. Allele origin: germline.

Molecular Diagnostic Laboratory for Inherited Cardiovascular Disease, Montreal Heart Institute
Classification: Benign. Last evaluated: 2025-04-09. Review status: criteria provided, single submitter. Criteria: ACMG Guidelines, 2015. Collection method: clinical testing. Allele origin: germline. Affected: no.

Mayo Clinic Laboratories, Mayo Clinic
Classification: Likely benign. Last evaluated: 2025-02-03. Review status: criteria provided, single submitter. Criteria: ACMG Guidelines, 2015. Collection method: clinical testing. Allele origin: germline. Observed: 3 variant alleles.
Comment: BS1, BP4, BP7

Blueprint Genetics
Classification: Likely benign. Last evaluated: 2024-02-12. Review status: criteria provided, single submitter. Criteria: ACMG Guidelines, 2015. Collection method: clinical testing. Allele origin: germline.

Women's Health and Genetics/Laboratory Corporation of America, LabCorp
Classification: Benign. Last evaluated: 2023-08-19. Review status: criteria provided, single submitter. Criteria: LabCorp Variant Classification Summary - May 2015. Collection method: clinical testing. Allele origin: germline.

Genome-Nilou Lab
Classification: Benign for Autosomal recessive limb-girdle muscular dystrophy type 2J. Last evaluated: 2021-09-10. Review status: criteria provided, single submitter. Criteria: ACMG Guidelines, 2015. Collection method: clinical testing. Allele origin: germline. Affected: no.

Genome-Nilou Lab
Classification: Benign for Myopathy, myofibrillar, 9, with early respiratory failure. Last evaluated: 2021-09-10. Review status: criteria provided, single submitter. Criteria: ACMG Guidelines, 2015. Collection method: clinical testing. Allele origin: germline. Affected: no.

Genome-Nilou Lab
Classification: Benign for Early-onset myopathy with fatal cardiomyopathy. Last evaluated: 2021-09-10. Review status: criteria provided, single submitter. Criteria: ACMG Guidelines, 2015. Collection method: clinical testing. Allele origin: germline. Affected: no.

Genome-Nilou Lab
Classification: Benign for Tibial muscular dystrophy. Last evaluated: 2021-09-10. Review status: criteria provided, single submitter. Criteria: ACMG Guidelines, 2015. Collection method: clinical testing. Allele origin: germline. Affected: no.

CHEO Genetics Diagnostic Laboratory, Children's Hospital of Eastern Ontario
Classification: Benign for Cardiomyopathy. Last evaluated: 2016-08-11. Review status: criteria provided, single submitter. Criteria: ACMG Guidelines, 2015. Collection method: clinical testing. Allele origin: germline. Study: Canadian Open Genetics Repository.

Eurofins Ntd Llc (ga)
Classification: Likely benign. Last evaluated: 2014-09-03. Review status: criteria provided, single submitter. Criteria: EGL Classification Definitions 2015. Collection method: clinical testing. Allele origin: germline. Observed: 1 variant allele, 1 heterozygote.

GeneDx
Classification: Benign. Last evaluated: 2014-07-25. Review status: criteria provided, single submitter. Criteria: GeneDx Variant Classification (06012015). Collection method: clinical testing. Allele origin: germline. Affected: yes.
Comment: This variant is considered likely benign or benign based on one or more of the following criteria: it is a conservative change, it occurs at a poorly conserved position in the protein, it is predicted to be benign by multiple in silico algorithms, and/or has population frequency not consistent with disease.

Laboratory for Molecular Medicine, Mass General Brigham Personalized Medicine
Classification: Benign. Last evaluated: 2012-03-19. Review status: criteria provided, single submitter. Criteria: LMM Criteria. Collection method: clinical testing. Allele origin: germline. Observed: 4 variant alleles.
Comment: c.61708+10G>C in Intron 273 of TTN: This variant is not expected to have clinica l significance because it is not located within the splice consensus sequence an d has been identified in 0.5% (17/3094) of African American chromosomes from a b road population by the NHLBI Exome Sequencing Project (. edu/EVS; dbSNP rs72646883).

PreventionGenetics, part of Exact Sciences
Classification: Likely benign for TTN-related condition. Last evaluated: 2019-12-04. Review status: no assertion criteria provided. Collection method: clinical testing. Allele origin: germline. Not counted in ClinVar's aggregate classification.
Comment: This variant is classified as likely benign based on ACMG/AMP sequence variant interpretation guidelines (Richards et al. 2015 PMID: 25741868, with internal and published modifications).

NM_001267550.2(TTN):c.69412+10G>C

Genes: TTN (titin; minus strand), TTN-AS1 (TTN antisense RNA 1; plus strand). Cytogenetic location: 2q31.2.
Variant type: single nucleotide variant.
Coding change: c.69412+10G>C on transcript NM_001267550.2 (MANE Select); 10 bases into the intron after coding-DNA position 69412, G replaced by C.
Molecular consequence: intron variant.
Genome position (GRCh38, 1-based): chr2:178,576,913, C>G on the plus strand (G>C on the coding strand, the complement: TTN is on the minus strand). VCF-style: chr2-178576913-C-G. GRCh37 (hg19) VCF-style: chr2-179441640-C-G.
Other names: p.?; c.42217+10G>C (NM_003319.4); c.42793+10G>C (NM_133437.4); c.42592+10G>C (NM_133432.3); c.61708+10G>C (NM_133378.4); c.64489+10G>C (NM_001256850.1).
Identifiers: ClinVar variation 47272 (VCV000047272.28), dbSNP rs72646883, ClinGen allele CA283671.